The following is an entry in ClinVar:

NM_000535.7(PMS2):c.1058C>T (p.Ala353Val)

Gene: PMS2 (PMS1 homolog 2, mismatch repair system component; minus strand). Cytogenetic location: 7p22.1.
Variant type: single nucleotide variant.
Coding change: c.1058C>T on transcript NM_000535.7 (MANE Select); coding-DNA position 1058, C replaced by T.
Protein change: p.Ala353Val; replaces alanine 353 with valine.
Molecular consequence: missense variant. On other transcripts: non-coding transcript variant (1), intron variant (2).
Genome position (GRCh38, 1-based): chr7:5,989,886, G>A on the plus strand (C>T on the coding strand, the complement: PMS2 is on the minus strand). VCF-style: chr7-5989886-G-A. GRCh37 (hg19) VCF-style: chr7-6029517-G-A.
Other names: c.653C>T, p.Ala218Val (NM_001322003.2, NM_001322004.2, NM_001322005.2 and 1 more transcripts); c.740C>T, p.Ala247Val (NM_001322007.2, NM_001322008.2); c.125C>T, p.Ala42Val (NM_001322011.2, NM_001322012.2); c.485C>T, p.Ala162Val (NM_001322013.2); c.1058C>T, p.Ala353Val (NM_001322014.2); c.749C>T, p.Ala250Val (NM_001322015.2); c.583+2087C>T (NM_001322010.2); c.988+2087C>T (NM_001322006.2); short protein forms A353V, A162V, A247V, A250V, A218V, A42V.
Identifiers: ClinVar variation 142838 (VCV000142838.31), dbSNP rs543676323, ClinGen allele CA009147.

ClinVar aggregate classification (germline): Conflicting classifications of pathogenicity. Review status: criteria provided, conflicting classifications (1 of 4 stars). 10 submissions from 10 submitters: Uncertain significance (9); Benign (1). Last evaluated 2025-12-02.

Conditions:
PMS2-related disorder. Also called: PMS2-related condition.
Hereditary nonpolyposis colorectal neoplasms. Identifiers: MedGen C0009405, MeSH D003123.
Hereditary cancer-predisposing syndrome. Also called: Tumor predisposition; Neoplastic Syndromes, Hereditary; Hereditary neoplastic syndrome; Hereditary Cancer Syndrome. Identifiers: Orphanet 140162, MedGen C0027672, MeSH D009386, MONDO:0015356.
Lynch syndrome. Identifiers: Orphanet 144, MedGen C4552100, MONDO:0005835. Disease mechanism: loss of function.
Lynch syndrome 4 (LYNCH4). Also called: Colorectal cancer, hereditary nonpolyposis, type 4; Hereditary non-polyposis colorectal cancer, type 4. Identifiers: Orphanet 144, MedGen C1838333, MONDO:0013699, OMIM 614337. Disease mechanism: loss of function.

Allele frequency attached by ClinVar (database versions not stated): gnomAD 0.00001 and 0.00002; gnomAD exomes 0.00001 and 0.00002; ExAC 0.00002; TOPMed 0.00002; 1000 Genomes Project 30x 0.00016; 1000 Genomes Project 0.00020.

Submissions (10):

PreventionGenetics, part of Exact Sciences
Classification: Uncertain significance for PMS2-related condition. Last evaluated: 2025-12-02. Review status: criteria provided, single submitter. Criteria: ACMG Guidelines, 2015. Collection method: clinical testing. Allele origin: germline.
Comment: The PMS2 c.1058C>T variant is predicted to result in the amino acid substitution p.Ala353Val. To our knowledge, this variant has not been reported in the literature. This variant is reported in 0.013% of alleles in individuals of South Asian descent in gnomAD and is classified as having uncertain significance in the ClinVar database (Variation ID: 142838). At this time, the clinical significance of this variant is uncertain due to the absence of conclusive functional and genetic evidence.

Labcorp Genetics (formerly Invitae), Labcorp
Classification: Benign for Hereditary nonpolyposis colorectal neoplasms. Last evaluated: 2025-08-17. Review status: criteria provided, single submitter. Criteria: Invitae Variant Classification Sherloc (09022015). Collection method: clinical testing. Allele origin: germline.

Ambry Genetics
Classification: Uncertain significance for Hereditary cancer-predisposing syndrome. Last evaluated: 2025-06-06. Review status: criteria provided, single submitter. Criteria: Ambry Variant Classification Scheme 2023. Collection method: clinical testing. Allele origin: germline.
Comment: The p.A353V variant (also known as c.1058C>T), located in coding exon 10 of the PMS2 gene, results from a C to T substitution at nucleotide position 1058. The alanine at codon 353 is replaced by valine, an amino acid with similar properties. This amino acid position is highly conserved in available vertebrate species. In addition, this alteration is predicted to be deleterious by in silico analysis. Based on the available evidence, the clinical significance of this variant remains unclear.

All of Us Research Program, National Institutes of Health
Classification: Uncertain significance for Lynch syndrome. Last evaluated: 2023-10-06. Review status: criteria provided, single submitter. Criteria: ACMG Guidelines, 2015. Collection method: clinical testing. Allele origin: germline. Inheritance: Autosomal dominant inheritance. Observed: 1 variant allele, 1 heterozygote.
Comment: This missense variant replaces alanine with valine at codon 353 of the PMS2 protein. Computational prediction is inconclusive regarding the impact of this variant on protein structure and function (internally defined REVEL score threshold 0.5 < inconclusive < 0.7, PMID: 27666373). To our knowledge, functional studies have not been reported for this variant. This variant has not been reported in individuals affected with PMS2-related disorders in the literature. This variant has been identified in 6/251154 chromosomes in the general population by the Genome Aggregation Database (gnomAD). The available evidence is insufficient to determine the role of this variant in disease conclusively. Therefore, this variant is classified as a Variant of Uncertain Significance.

This study involves interpretation of variants in research participants for the purpose of population health screening. Participant phenotype was not available at the time of variant classification. Additional details can be found in publication PMID: 35346344, PMCID: PMC8962531

Color Diagnostics, LLC DBA Color Health
Classification: Uncertain significance for Hereditary cancer-predisposing syndrome. Last evaluated: 2023-09-20. Review status: criteria provided, single submitter. Criteria: ACMG Guidelines, 2015. Collection method: clinical testing. Allele origin: germline.
Comment: This missense variant replaces alanine with valine at codon 353 of the PMS2 protein. Computational prediction is inconclusive regarding the impact of this variant on protein structure and function (internally defined REVEL score threshold 0.5 < inconclusive < 0.7, PMID: 27666373). To our knowledge, functional studies have not been reported for this variant. This variant has not been reported in individuals affected with PMS2-related disorders in the literature. This variant has been identified in 6/251154 chromosomes in the general population by the Genome Aggregation Database (gnomAD). The available evidence is insufficient to determine the role of this variant in disease conclusively. Therefore, this variant is classified as a Variant of Uncertain Significance.

Baylor Genetics
Classification: Uncertain significance for Lynch syndrome 4. Last evaluated: 2023-08-21. Review status: criteria provided, single submitter. Criteria: ACMG Guidelines, 2015. Collection method: clinical testing. Allele origin: unknown.

GeneDx
Classification: Uncertain significance. Last evaluated: 2022-08-29. Review status: criteria provided, single submitter. Criteria: GeneDx Variant Classification Process June 2021. Collection method: clinical testing. Allele origin: germline. Affected: yes.
Comment: In silico analysis supports that this missense variant has a deleterious effect on protein structure/function; Has not been previously published as pathogenic or benign to our knowledge; This variant is associated with the following publications: (PMID: 22290698, 11574484)

Women's Health and Genetics/Laboratory Corporation of America, LabCorp
Classification: Uncertain significance. Last evaluated: 2022-08-19. Review status: criteria provided, single submitter. Criteria: LabCorp Variant Classification Summary - May 2015. Collection method: clinical testing. Allele origin: germline.

Sema4
Classification: Uncertain significance for Hereditary cancer-predisposing syndrome. Last evaluated: 2022-02-08. Review status: criteria provided, single submitter. Criteria: Sema4 Curation Guidelines. Collection method: curation. Allele origin: germline.
Comment: The PMS2 c.1058C>T(p.A353V) variant has not been reported in the literature to our knowledge. This variant was observed in 4/30526 chromosomes in the South Asian population, according to the Genome Aggregation Database (PMID: 32461654). The variant has been reported in ClinVar (Variation ID: 142838). Functional studies have not been performed, and in silico predictions of the variant's effect on protein function are inconclusive. The evidence is insufficient to meet ACMG/AMP criteria for classifying the variant as benign or pathogenic. Thus, the clinical significance of this variant is currently uncertain.

Genetic Services Laboratory, University of Chicago
Classification: Uncertain significance. Last evaluated: 2018-08-22. Review status: criteria provided, single submitter. Criteria: ACMG Guidelines, 2015. Collection method: clinical testing. Allele origin: germline. Affected: no.